The following is an entry in ClinVar:

ClinVar aggregate classification (germline): Uncertain significance (1 of 4 stars; one submission).

Conditions:
Emery-Dreifuss muscular dystrophy 5, autosomal dominant (EDMD5). Also called: EMERY-DREIFUSS MUSCULAR DYSTROPHY 5. Identifiers: Orphanet 261, MedGen C2751805, MONDO:0013072, OMIM 612999.

Allele frequency attached by ClinVar (database versions not stated): TOPMed below 0.00001; gnomAD 0.00002; gnomAD exomes 0.00002; ExAC 0.00007; 1000 Genomes Project 30x 0.00016; 1000 Genomes Project 0.00020.
gnomAD v4.1: 15 of 1,614,148 alleles (0.00093%); highest among the groups gnomAD compares: Admixed American, 0.025%; no homozygotes.

Submission:

Labcorp Genetics (formerly Invitae), Labcorp
Classification: Uncertain significance for Emery-Dreifuss muscular dystrophy 5, autosomal dominant. Last evaluated: 2024-01-31. Review status: criteria provided, single submitter. Criteria: Invitae Variant Classification Sherloc (09022015). Collection method: clinical testing. Allele origin: germline.
Comment: This sequence change replaces isoleucine, which is neutral and non-polar, with threonine, which is neutral and polar, at codon 3437 of the SYNE2 protein (p.Ile3437Thr). This variant is present in population databases (rs182608678, gnomAD 0.04%), and has an allele count higher than expected for a pathogenic variant. This variant has not been reported in the literature in individuals affected with SYNE2-related conditions. ClinVar contains an entry for this variant (Variation ID: 1969280). Algorithms developed to predict the effect of missense changes on protein structure and function output the following: SIFT: "Not Available"; PolyPhen-2: "Benign"; Align-GVGD: "Not Available". The threonine amino acid residue is found in multiple mammalian species, which suggests that this missense change does not adversely affect protein function. In summary, the available evidence is currently insufficient to determine the role of this variant in disease. Therefore, it has been classified as a Variant of Uncertain Significance.

NM_182914.3(SYNE2):c.10310T>C (p.Ile3437Thr)

Gene: SYNE2 (spectrin repeat containing nuclear envelope protein 2; plus strand). Cytogenetic location: 14q23.2.
Variant type: single nucleotide variant.
Coding change: c.10310T>C on transcript NM_182914.3 (MANE Select); coding-DNA position 10310, T replaced by C.
Protein change: p.Ile3437Thr; replaces isoleucine 3437 with threonine.
Molecular consequence: missense variant.
Genome position (GRCh38, 1-based): chr14:64,065,529, T>C. VCF-style: chr14-64065529-T-C. GRCh37 (hg19) VCF-style: chr14-64532247-T-C.
Other names: c.10310T>C, p.Ile3437Thr (NM_015180.6); short protein forms I3437T.
Identifiers: ClinVar variation 1969280 (VCV001969280.5), dbSNP rs182608678, ClinGen allele CA7221477.